The following is an entry in ClinVar:

NM_001105659.2(LRRIQ3):c.1201G>T (p.Glu401Ter)

Gene: LRRIQ3 (leucine rich repeats and IQ motif containing 3; minus strand). Cytogenetic location: 1p31.1.
Variant type: single nucleotide variant.
Coding change: c.1201G>T on transcript NM_001105659.2 (MANE Select); coding-DNA position 1201, G replaced by T.
Protein change: p.Glu401Ter; replaces glutamic acid 401 with a stop codon.
Molecular consequence: nonsense.
Genome position (GRCh38, 1-based): chr1:74,041,730, C>A on the plus strand (G>T on the coding strand, the complement: LRRIQ3 is on the minus strand). VCF-style: chr1-74041730-C-A. GRCh37 (hg19) VCF-style: chr1-74507414-C-A.
Other names: c.1201G>T, p.Glu401Ter (NM_001322315.2); c.1201G>T (NM_001105659.1); short protein forms E401*.
Identifiers: ClinVar variation 4894692 (VCV004894692.2).

ClinVar aggregate classification (germline): Uncertain significance. Review status: criteria provided, multiple submitters, no conflicts (2 of 4 stars). 2 submissions from 2 submitters: Uncertain significance (2). Last evaluated 2024-11-04.

Conditions:
LRRIQ3-related disorder. Also called: LRRIQ3-related condition.

Submissions (2):

PreventionGenetics, part of Exact Sciences
Classification: Uncertain significance for LRRIQ3-related condition. Last evaluated: 2024-11-04. Review status: criteria provided, single submitter. Criteria: ACMG Guidelines, 2015. Collection method: clinical testing. Allele origin: germline.
Comment: The LRRIQ3 c.1201G>T variant is predicted to result in premature protein termination (p.Glu401*). To our knowledge, this variant has not been reported in the literature or in a large population database (gnomAD), indicating this variant is rare. Loss-of-function variants in LRRIQ3, such as this nonsense variant, are not an established mechanism of disease. At this time, the clinical significance of this variant is uncertain due to the absence of conclusive functional and genetic evidence.

Blueprint Genetics
Classification: Uncertain significance. Last evaluated: 2024-08-22. Review status: criteria provided, single submitter. Criteria: ACMG Guidelines, 2015. Collection method: clinical testing. Allele origin: germline.